The following is an entry in ClinVar:

ClinVar aggregate classification (germline): Likely pathogenic (1 of 4 stars; one submission).

Conditions:
Hereditary spastic paraplegia 48. Also called: Spastic paraplegia 48; SPASTIC PARAPLEGIA 48, AUTOSOMAL RECESSIVE. Identifiers: Orphanet 306511, MedGen C3150901, MONDO:0013342, OMIM 613647.

Allele frequency attached by ClinVar (database versions not stated): gnomAD exomes below 0.00001; TOPMed 0.00001; gnomAD 0.00002.
gnomAD v4.1: 6 of 1,613,214 alleles (0.00037%); highest among the groups gnomAD compares: African/African-American, 0.0053%; no homozygotes.

Submission:

Labcorp Genetics (formerly Invitae), Labcorp
Classification: Likely pathogenic for Hereditary spastic paraplegia 48. Last evaluated: 2025-04-07. Review status: criteria provided, single submitter. Criteria: Invitae Variant Classification Sherloc (09022015). Collection method: clinical testing. Allele origin: germline.
Comment: This sequence change affects an acceptor splice site in intron 8 of the AP5Z1 gene. It is expected to disrupt RNA splicing. Variants that disrupt the donor or acceptor splice site typically lead to a loss of protein function (PMID: 16199547), and loss-of-function variants in AP5Z1 are known to be pathogenic (PMID: 20613862, 27606357). This variant is not present in population databases (gnomAD no frequency). This variant has not been reported in the literature in individuals affected with AP5Z1-related conditions. ClinVar contains an entry for this variant (Variation ID: 1947244). Algorithms developed to predict the effect of sequence changes on RNA splicing suggest that this variant may disrupt the consensus splice site. In summary, the currently available evidence indicates that the variant is pathogenic, but additional data are needed to prove that conclusively. Therefore, this variant has been classified as Likely Pathogenic.

Literature cited by the submitters: PubMed 16199547; PubMed 20613862; PubMed 27606357.

NM_014855.3(AP5Z1):c.970-1G>A

Gene: AP5Z1 (adaptor related protein complex 5 subunit zeta 1; plus strand). Cytogenetic location: 7p22.1.
Variant type: single nucleotide variant.
Coding change: c.970-1G>A on transcript NM_014855.3 (MANE Select); the canonical splice acceptor site of the intron before coding-DNA position 970, G replaced by A.
Molecular consequence: splice acceptor variant.
Genome position (GRCh38, 1-based): chr7:4,785,521, G>A. VCF-style: chr7-4785521-G-A. GRCh37 (hg19) VCF-style: chr7-4825152-G-A.
Other names: c.502-1G>A (NM_001364858.1).
Identifiers: ClinVar variation 1947244 (VCV001947244.5), dbSNP rs1364005933, ClinGen allele CA366661180.
Genomic context (GRCh38, chr7:4,785,521, plus strand): 5'-CTGGGGACCAGGGGATGGGAGGCAGCGACTCGGCCCATTTGATGTGGTCCATGTCCCGCA[G>A]TGCCTGGTGGAGGCCGTGCTGGTGCTGGACGTGCTGTGCCGGCAGGACCCGTCCTTCCTG-3'